The following is an entry in ClinVar:

ClinVar aggregate classification (germline): Uncertain significance (1 of 4 stars; one submission).

Conditions:
Developmental and epileptic encephalopathy. Identifiers: MedGen C5779964, MONDO:0100620.

Allele frequency attached by ClinVar (database versions not stated): TOPMed 0.00002; gnomAD 0.00004; gnomAD exomes 0.00004 and 0.00007; ExAC 0.00006; 1000 Genomes Project 30x 0.00016; 1000 Genomes Project 0.00020.
gnomAD v4.1: 104 of 1,614,150 alleles (0.0064%); highest among the groups gnomAD compares: Non-Finnish European, 0.0083%; no homozygotes.

Submission:

Labcorp Genetics (formerly Invitae), Labcorp
Classification: Uncertain significance for Early-infantile DEE. Last evaluated: 2022-09-01. Review status: criteria provided, single submitter. Criteria: Invitae Variant Classification Sherloc (09022015). Collection method: clinical testing. Allele origin: germline.
Comment: This sequence change replaces glutamic acid, which is acidic and polar, with lysine, which is basic and polar, at codon 193 of the CACNA2D2 protein (p.Glu193Lys). This variant is present in population databases (rs587610576, gnomAD 0.008%). This variant has not been reported in the literature in individuals affected with CACNA2D2-related conditions. ClinVar contains an entry for this variant (Variation ID: 842376). Algorithms developed to predict the effect of missense changes on protein structure and function are either unavailable or do not agree on the potential impact of this missense change (SIFT: "Deleterious"; PolyPhen-2: "Benign"; Align-GVGD: "Class C0"). In summary, the available evidence is currently insufficient to determine the role of this variant in disease. Therefore, it has been classified as a Variant of Uncertain Significance.

NM_006030.4(CACNA2D2):c.577G>A (p.Glu193Lys)

Gene: CACNA2D2 (calcium voltage-gated channel auxiliary subunit alpha2delta 2; minus strand). Cytogenetic location: 3p21.31.
Variant type: single nucleotide variant.
Coding change: c.577G>A on transcript NM_006030.4 (MANE Select); coding-DNA position 577, G replaced by A.
Protein change: p.Glu193Lys; replaces glutamic acid 193 with lysine.
Molecular consequence: missense variant.
Genome position (GRCh38, 1-based): chr3:50,384,271, C>T on the plus strand (G>A on the coding strand, the complement: CACNA2D2 is on the minus strand). VCF-style: chr3-50384271-C-T. GRCh37 (hg19) VCF-style: chr3-50421702-C-T.
Other names: c.577G>A, p.Glu193Lys (NM_001005505.3, NM_001174051.3); c.370G>A, p.Glu124Lys (NM_001291101.1); short protein forms E193K, E124K.
Identifiers: ClinVar variation 842376 (VCV000842376.5), dbSNP rs587610576, ClinGen allele CA2419141.